The following is an entry in ClinVar:

NM_152594.3(SPRED1):c.563T>C (p.Met188Thr)

Gene: SPRED1 (sprouty related EVH1 domain containing 1; plus strand). Cytogenetic location: 15q14.
Variant type: single nucleotide variant.
Coding change: c.563T>C on transcript NM_152594.3 (MANE Select); coding-DNA position 563, T replaced by C.
Protein change: p.Met188Thr; replaces methionine 188 with threonine.
Molecular consequence: missense variant.
Genome position (GRCh38, 1-based): chr15:38,339,876, T>C. VCF-style: chr15-38339876-T-C. GRCh37 (hg19) VCF-style: chr15-38632077-T-C.
Other names: short protein forms M188T.
Identifiers: ClinVar variation 981596 (VCV000981596.8), dbSNP rs370735097, ClinGen allele CA7470109.
Genomic context (GRCh38, chr15:38,339,876, plus strand): 5'-ATAGAAGCTCAAATATAAGACCTTCTCCCTTTGAAGATCTGAATGCCAGAAGAGTCTACA[T>C]GCAAAGCCAAGCCAATCAGGTAAGAAGATAAAATATTTTTTCGGCGCGTTGTTTATATGT-3'
Protein context (NP_689807.1, residues 178-198): FEDLNARRVY[Met188Thr]QSQANQITFG

ClinVar aggregate classification (germline): Uncertain significance. Review status: criteria provided, multiple submitters, no conflicts (2 of 4 stars). 3 submissions from 3 submitters: Uncertain significance (2). 1 of the submissions does not count toward it. Last evaluated 2025-08-30.

Conditions:
Costello syndrome (CSTLO). Also called: FCS SYNDROME; HRAS-Related Costello Syndrome; FACIOCUTANEOSKELETAL SYNDROME. Identifiers: Orphanet 3071, MedGen C0587248, MONDO:0009026, OMIM 218040.
Legius syndrome. Identifiers: Orphanet 137605, MedGen C1969623, MONDO:0012669, OMIM 611431. Disease mechanism: loss of function.
Cardiovascular phenotype. Identifiers: MedGen CN230736.

Allele frequency attached by ClinVar (database versions not stated): ExAC 0.00002; gnomAD exomes 0.00004; ESP Exome Variant Server 0.00008.

Submissions (3):

Labcorp Genetics (formerly Invitae), Labcorp
Classification: Uncertain significance for Legius syndrome. Last evaluated: 2025-08-30. Review status: criteria provided, single submitter. Criteria: Invitae Variant Classification Sherloc (09022015). Collection method: clinical testing. Allele origin: germline.
Comment: This sequence change replaces methionine, which is neutral and non-polar, with threonine, which is neutral and polar, at codon 188 of the SPRED1 protein (p.Met188Thr). This variant is present in population databases (rs370735097, gnomAD 0.004%). This variant has not been reported in the literature in individuals affected with SPRED1-related conditions. ClinVar contains an entry for this variant (Variation ID: 981596). Invitae Evidence Modeling of protein sequence and biophysical properties (such as structural, functional, and spatial information, amino acid conservation, physicochemical variation, residue mobility, and thermodynamic stability) indicates that this missense variant is not expected to disrupt SPRED1 protein function with a negative predictive value of 80%. In summary, the available evidence is currently insufficient to determine the role of this variant in disease. Therefore, it has been classified as a Variant of Uncertain Significance.

Ambry Genetics
Classification: Uncertain significance for Cardiovascular phenotype. Last evaluated: 2024-03-21. Review status: criteria provided, single submitter. Criteria: Ambry Variant Classification Scheme 2023. Collection method: clinical testing. Allele origin: germline.
Comment: The p.M188T variant (also known as c.563T>C), located in coding exon 5 of the SPRED1 gene, results from a T to C substitution at nucleotide position 563. The methionine at codon 188 is replaced by threonine, an amino acid with similar properties. This amino acid position is conserved. In addition, this alteration is predicted to be tolerated by in silico analysis. Based on the available evidence, the clinical significance of this alteration remains unclear.

Service de Génétique Moléculaire, Hôpital Robert Debré
Classification: Uncertain significance for Costello syndrome. Review status: no assertion criteria provided. Collection method: clinical testing. Allele origin: unknown. Affected: yes. Not counted in ClinVar's aggregate classification.